The following is an entry in ClinVar:

ClinVar aggregate classification (germline): Pathogenic (1 of 4 stars; one submission).

Conditions:
Hypohidrotic X-linked ectodermal dysplasia (XHED). Also called: ECTODERMAL DYSPLASIA 1, HYPOHIDROTIC, X-LINKED; ECTODERMAL DYSPLASIA 1, HYPOHIDROTIC/HAIR/TOOTH TYPE, X-LINKED; Anhidrotic ectodermal dysplasia X-linked; Christ Siemens Touraine syndrome; ECTODERMAL DYSPLASIA 1; Christ-Siemans-Touraine syndrome. Identifiers: Orphanet 181, Orphanet 238468, MedGen C0162359, MONDO:0010585, OMIM 305100.

Submission:

Labcorp Genetics (formerly Invitae), Labcorp
Classification: Pathogenic for Hypohidrotic X-linked ectodermal dysplasia. Last evaluated: 2022-03-20. Review status: criteria provided, single submitter. Criteria: Invitae Variant Classification Sherloc (09022015). Collection method: clinical testing. Allele origin: germline.
Comment: This sequence change creates a premature translational stop signal (p.Val297Profs*8) in the EDA gene. While this is not anticipated to result in nonsense mediated decay, it is expected to disrupt the last 95 amino acid(s) of the EDA protein. This variant is not present in population databases (gnomAD no frequency). For these reasons, this variant has been classified as Pathogenic. This variant disrupts a region of the EDA protein in which other variant(s) (p.Ala367Valfs*10) have been determined to be pathogenic (Invitae). This suggests that this is a clinically significant region of the protein, and that variants that disrupt it are likely to be disease-causing. Algorithms developed to predict the effect of sequence changes on RNA splicing suggest that this variant may disrupt the consensus splice site. This variant has not been reported in the literature in individuals affected with EDA-related conditions.

NM_001399.5(EDA):c.889_898del (p.Val297fs)

Gene: EDA (ectodysplasin A; plus strand). Cytogenetic location: Xq13.1.
Variant type: Deletion.
Coding change: c.889_898del on transcript NM_001399.5 (MANE Select); coding-DNA positions 889 to 898, 10 bases deleted (GTGGACGGCA; older notation c.889_898delGTGGACGGCA).
Protein change: p.Val297fs; shifts the reading frame from valine 297.
Molecular consequence: frameshift variant.
Genome position (GRCh38, 1-based): chrX:70,033,493-70,033,502, GTGGACGGCA deleted. VCF-style (leftmost placement, unchanged base first): chrX-70033492-GGTGGACGGCA-G. GRCh37 (hg19) VCF-style: chrX-69253342-GGTGGACGGCA-G.
Other names: c.889_898del, p.Val297fs (NM_001005609.2); c.880_889del, p.Val294fs (NM_001005612.3); short protein forms V294fs, V297fs.
Identifiers: ClinVar variation 2109384 (VCV002109384.4), dbSNP rs2520343419, ClinGen allele CA2580101370.
Genomic context (GRCh38, chrX:70,033,492, plus strand): 5'-CATCACTATGAACCCCAAGGTGTTTAAGCTACATCCCCGCAGCGGGGAGCTGGAGGTACT[GGTGGACGGCA>G]CCTACTTCATCTATAGTCAGGTAGAAGTGAGTACGGTCTTAGGCCTAACTCTTCTTATAT-3'